The following is an entry in ClinVar:

NM_000553.6(WRN):c.3426G>C (p.Gln1142His)

Gene: WRN (WRN RecQ like helicase; plus strand). Cytogenetic location: 8p12.
Variant type: single nucleotide variant.
Coding change: c.3426G>C on transcript NM_000553.6 (MANE Select); coding-DNA position 3426, G replaced by C.
Protein change: p.Gln1142His; replaces glutamine 1142 with histidine.
Molecular consequence: missense variant.
Genome position (GRCh38, 1-based): chr8:31,147,095, G>C. VCF-style: chr8-31147095-G-C. GRCh37 (hg19) VCF-style: chr8-31004611-G-C.
Other names: short protein forms Q1142H.
Identifiers: ClinVar variation 1721330 (VCV001721330.5), dbSNP rs2536041927, ClinGen allele CA370925377.

ClinVar aggregate classification (germline): Uncertain significance (1 of 4 stars; one submission).

Conditions:
Werner syndrome (WRN). Identifiers: Orphanet 902, MedGen C0043119, MONDO:0010196, OMIM 277700.

Submission:

Labcorp Genetics (formerly Invitae), Labcorp
Classification: Uncertain significance for Werner syndrome. Last evaluated: 2022-10-09. Review status: criteria provided, single submitter. Criteria: Invitae Variant Classification Sherloc (09022015). Collection method: clinical testing. Allele origin: germline.
Comment: This sequence change replaces glutamine, which is neutral and polar, with histidine, which is basic and polar, at codon 1142 of the WRN protein (p.Gln1142His). This variant is not present in population databases (gnomAD no frequency). In summary, the available evidence is currently insufficient to determine the role of this variant in disease. Therefore, it has been classified as a Variant of Uncertain Significance. Algorithms developed to predict the effect of missense changes on protein structure and function are either unavailable or do not agree on the potential impact of this missense change (SIFT: "Not Available"; PolyPhen-2: "Benign"; Align-GVGD: "Not Available"). This variant has not been reported in the literature in individuals affected with WRN-related conditions.